The following is an entry in ClinVar:

NM_139319.3(SLC17A8):c.676+3G>C

Gene: SLC17A8 (solute carrier family 17 member 8; plus strand). Cytogenetic location: 12q23.1.
Variant type: single nucleotide variant.
Coding change: c.676+3G>C on transcript NM_139319.3 (MANE Select); 3 bases into the intron after coding-DNA position 676, G replaced by C.
Molecular consequence: intron variant.
Genome position (GRCh38, 1-based): chr12:100,396,420, G>C. VCF-style: chr12-100396420-G-C. GRCh37 (hg19) VCF-style: chr12-100790198-G-C.
Other names: c.676+3G>C (NM_001145288.2).
Identifiers: ClinVar variation 3365060 (VCV003365060.1).

ClinVar aggregate classification (germline): Uncertain significance (1 of 4 stars; one submission).

Submission:

GeneDx
Classification: Uncertain significance. Last evaluated: 2023-11-30. Review status: criteria provided, single submitter. Criteria: GeneDx Variant Classification Process June 2021. Collection method: clinical testing. Allele origin: germline. Affected: yes.
Comment: Not observed at significant frequency in large population cohorts (gnomAD); In silico analysis is inconclusive as to whether the variant alters gene splicing. In the absence of RNA/functional studies, the actual effect of this sequence change is unknown.; Has not been previously published as pathogenic or benign to our knowledge